The following is an entry in ClinVar:

ClinVar aggregate classification (germline): Conflicting classifications of pathogenicity. Review status: criteria provided, conflicting classifications (1 of 4 stars). 2 submissions from 2 submitters: Uncertain significance (1); Likely benign (1). Last evaluated 2025-04-09.

Allele frequency attached by ClinVar (database versions not stated): ExAC 0.00001; gnomAD 0.00001; TOPMed 0.00001.
gnomAD v4.1: 10 of 1,612,970 alleles (0.00062%); highest among the groups gnomAD compares: Non-Finnish European, 0.00076%; no homozygotes.

Submissions (2):

Molecular Diagnostic Laboratory for Inherited Cardiovascular Disease, Montreal Heart Institute
Classification: Likely benign. Last evaluated: 2025-04-09. Review status: criteria provided, single submitter. Criteria: ACMG Guidelines, 2015. Collection method: clinical testing. Allele origin: germline. Affected: no.

GeneDx
Classification: Uncertain significance. Last evaluated: 2022-08-09. Review status: criteria provided, single submitter. Criteria: GeneDx Variant Classification Process June 2021. Collection method: clinical testing. Allele origin: germline. Affected: yes.
Comment: Not observed at significant frequency in large population cohorts (gnomAD); Missense variant in a gene in which most reported pathogenic variants are truncating/loss of function; Has not been previously published as pathogenic or benign to our knowledge

NM_001267550.2(TTN):c.60607C>T (p.Pro20203Ser)

Genes: TTN (titin; minus strand), TTN-AS1 (TTN antisense RNA 1; plus strand). Cytogenetic location: 2q31.2.
Variant type: single nucleotide variant.
Coding change: c.60607C>T on transcript NM_001267550.2 (MANE Select); coding-DNA position 60607, C replaced by T.
Protein change: p.Pro20203Ser; replaces proline 20203 with serine.
Molecular consequence: missense variant.
Genome position (GRCh38, 1-based): chr2:178,591,118, G>A on the plus strand (C>T on the coding strand, the complement: TTN is on the minus strand). VCF-style: chr2-178591118-G-A. GRCh37 (hg19) VCF-style: chr2-179455845-G-A.
Other names: c.55684C>T, p.Pro18562Ser (NM_001256850.1); c.33412C>T, p.Pro11138Ser (NM_003319.4); c.52903C>T, p.Pro17635Ser (NM_133378.4); c.33787C>T, p.Pro11263Ser (NM_133432.3); c.33988C>T, p.Pro11330Ser (NM_133437.4); short protein forms P11138S, P11263S, P11330S, P17635S, P18562S, P20203S.
Identifiers: ClinVar variation 2429551 (VCV002429551.2), dbSNP rs757129250, ClinGen allele CA1992470.
Genomic context (GRCh38, chr2:178,591,118, plus strand): 5'-AGACAACACCCCACGTGTCTTTCCTTGTATCTTGTTTCTCAACAATATAATTTATCACAG[G>A]GCTTCCTCCATCATCCTTAGGTGGCTGCCATGAGATAGTCATGTGTTCAGGAGTAACATC-3'
Protein context (NP_001254479.2, residues 20193-20213): WQPPKDDGGS[Pro20203Ser]VINYIVEKQD